The following is an entry in ClinVar:

ClinVar aggregate classification (germline): Pathogenic (1 of 4 stars; one submission).

Conditions:
Developmental and epileptic encephalopathy, 9 (DEE9). Also called: JUBERG-HELLMAN SYNDROME; Early infantile epileptic encephalopathy 9; PCDH19-Related X-Linked Female-Limited Epilepsy with Mental Retardation; EPILEPSY, FEMALE-RESTRICTED, WITH MENTAL RETARDATION. Identifiers: Orphanet 101039, Orphanet 2076, MedGen C1848137, MONDO:0010246, OMIM 300088. Disease mechanism: loss of function.

Submission:

Labcorp Genetics (formerly Invitae), Labcorp
Classification: Pathogenic for Developmental and epileptic encephalopathy, 9. Last evaluated: 2024-09-10. Review status: criteria provided, single submitter. Criteria: Invitae Variant Classification Sherloc (09022015). Collection method: clinical testing. Allele origin: germline.
Comment: This sequence change creates a premature translational stop signal (p.Ser830Argfs*4) in the PCDH19 gene. It is expected to result in an absent or disrupted protein product. Loss-of-function variants in PCDH19 are known to be pathogenic (PMID: 21053371). This variant is not present in population databases (gnomAD no frequency). This variant has not been reported in the literature in individuals affected with PCDH19-related conditions. For these reasons, this variant has been classified as Pathogenic.

Literature cited by the submitters: PubMed 21053371.

NM_001184880.2(PCDH19):c.2490del (p.Ser830fs)

Genes: PCDH19 (protocadherin 19; minus strand), LOC125467768 (CDK7 strongly-dependent group 2 enhancer GRCh37_chrX:99657381-99658580; plus strand). Cytogenetic location: Xq22.1.
Variant type: Deletion.
Coding change: c.2490del on transcript NM_001184880.2 (MANE Select); coding-DNA position 2490, one base deleted (C; older notation c.2490delC).
Protein change: p.Ser830fs; shifts the reading frame from serine 830.
Molecular consequence: frameshift variant.
Genome position (GRCh38, 1-based): chrX:100,402,650, G deleted on the plus strand (C on the coding strand, the reverse complement: PCDH19 is on the minus strand). VCF-style (leftmost placement, unchanged base first): chrX-100402649-TG-T. GRCh37 (hg19) VCF-style: chrX-99657647-TG-T.
Other names: c.2349del, p.Ser783fs (NM_001105243.2, NM_020766.3); short protein forms S783fs, S830fs.
Identifiers: ClinVar variation 3727485 (VCV003727485.2).